The following is an entry in ClinVar:

GRCh38/hg38 12p12.3-11.23(chr12:19295848-27012560)x1

Genes: ABCC9 (ATP binding cassette subfamily C member 9; minus strand), AEBP2 (AE binding protein 2; plus strand), BCAT1 (branched chain amino acid transaminase 1; minus strand), BCAT1-AS1 (BCAT1 antisense RNA 1; plus strand), BCAT1-DT (BCAT1 divergent transcript; plus strand) and 180 more. Cytogenetic location: 12p12.3-11.23.
Variant type: copy number loss.
Change: copy number 1 (one copy instead of two) of chr12:19,295,848-27,012,560 (7.72 Mb, GRCh38 coordinates, 1-based), cytogenetic band 12p12.3-11.23.
Identifiers: ClinVar variation 58988 (VCV000058988.1).

ClinVar aggregate classification (germline): Pathogenic (1 of 4 stars; one submission).

Submission:

ISCA site 17
Classification: Pathogenic. Last evaluated: 2011-08-12. Review status: criteria provided, single submitter. Criteria: Kaminsky et al. (Genet Med. 2011). Collection method: clinical testing. Allele origin: unknown. Affected: yes. Observed: 1 variant allele.
Comment: Copy number variation identified through the course of routine clinical cytogenomic testing in postnatal populations. Clinical assertions have been curated as described in Kaminsky et al. 2011.